The following is an entry in ClinVar:

NM_001048174.2(MUTYH):c.340G>A (p.Val114Ile)

Gene: MUTYH (mutY DNA glycosylase; minus strand). Cytogenetic location: 1p34.1.
Variant type: single nucleotide variant.
Coding change: c.340G>A on transcript NM_001048174.2 (MANE Select); coding-DNA position 340, G replaced by A.
Protein change: p.Val114Ile; replaces valine 114 with isoleucine.
Molecular consequence: missense variant. On other transcripts: non-coding transcript variant (1), intron variant (2).
Genome position (GRCh38, 1-based): chr1:45,333,135, C>T on the plus strand (G>A on the coding strand, the complement: MUTYH is on the minus strand). VCF-style: chr1-45333135-C-T. GRCh37 (hg19) VCF-style: chr1-45798807-C-T.
Other names: c.340G>A, p.Val114Ile (NM_001048171.2, NM_001048173.2, NM_001293195.2); c.343G>A, p.Val115Ile (NM_001048172.2); c.424G>A, p.Val142Ile (NM_001128425.2); c.385G>A, p.Val129Ile (NM_001293190.2); c.373G>A, p.Val125Ile (NM_001293191.2); c.64G>A, p.Val22Ile (NM_001293192.2, NM_001293196.2); c.415G>A, p.Val139Ile (NM_012222.3); c.33+150G>A (NM_001350651.2, NM_001350650.2); short protein forms V139I, V22I, V114I, V115I, V125I, V129I, V142I.
Identifiers: ClinVar variation 839170 (VCV000839170.10), dbSNP rs1454101217, ClinGen allele CA340136145.

ClinVar aggregate classification (germline): Uncertain significance. Review status: criteria provided, multiple submitters, no conflicts (2 of 4 stars). 2 submissions from 2 submitters: Uncertain significance (2). Last evaluated 2025-08-27.

Conditions:
Familial adenomatous polyposis 2. Also called: FAP type 2; MUTYH Polyposis; COLORECTAL ADENOMATOUS POLYPOSIS, AUTOSOMAL RECESSIVE; ADENOMAS, MULTIPLE COLORECTAL, AUTOSOMAL RECESSIVE; MUTYH-associated polyposis; MUTYH-related attenuated familial adenomatous polyposis. Identifiers: Orphanet 220460, Orphanet 247798, MedGen C3272841, MONDO:0012041, OMIM 608456.
Hereditary cancer-predisposing syndrome. Also called: Tumor predisposition; Hereditary Cancer Syndrome; Hereditary neoplastic syndrome; Neoplastic Syndromes, Hereditary. Identifiers: Orphanet 140162, MedGen C0027672, MeSH D009386, MONDO:0015356.

Submissions (2):

Ambry Genetics
Classification: Uncertain significance for Hereditary cancer-predisposing syndrome. Last evaluated: 2025-08-27. Review status: criteria provided, single submitter. Criteria: Ambry Variant Classification Scheme 2023. Collection method: clinical testing. Allele origin: germline.
Comment: The p.V142I variant (also known as c.424G>A), located in coding exon 5 of the MUTYH gene, results from a G to A substitution at nucleotide position 424. The valine at codon 142 is replaced by isoleucine, an amino acid with highly similar properties. This amino acid position is conserved. In addition, the in silico prediction for this alteration is inconclusive. Based on the available evidence, the clinical significance of this variant remains unclear.

Labcorp Genetics (formerly Invitae), Labcorp
Classification: Uncertain significance for Familial adenomatous polyposis 2. Last evaluated: 2022-02-19. Review status: criteria provided, single submitter. Criteria: Invitae Variant Classification Sherloc (09022015). Collection method: clinical testing. Allele origin: germline.
Comment: This sequence change replaces valine, which is neutral and non-polar, with isoleucine, which is neutral and non-polar, at codon 142 of the MUTYH protein (p.Val142Ile). This variant is not present in population databases (gnomAD no frequency). This variant has not been reported in the literature in individuals affected with MUTYH-related conditions. ClinVar contains an entry for this variant (Variation ID: 839170). Algorithms developed to predict the effect of missense changes on protein structure and function (SIFT, PolyPhen-2, Align-GVGD) all suggest that this variant is likely to be disruptive. In summary, the available evidence is currently insufficient to determine the role of this variant in disease. Therefore, it has been classified as a Variant of Uncertain Significance.